The following is an entry in ClinVar:

ClinVar aggregate classification (germline): Uncertain significance (1 of 4 stars; one submission).

Conditions:
Primary erythromelalgia. Also called: SCN9A Erythromelalgia (SCN9A-EM); primary erythermalgia. Identifiers: Orphanet 306577, Orphanet 90026, MedGen C0014805, MONDO:0007571, OMIM 133020.

Submission:

Neuberg Centre For Genomic Medicine, NCGM
Classification: Uncertain significance for Primary erythromelalgia. Review status: criteria provided, single submitter. Criteria: ACMG Guidelines, 2015. Collection method: clinical testing. Allele origin: germline. Inheritance: Autosomal dominant inheritance. Affected: yes.
Comment: The missense variant p.P1800L in SCN9A (NM_002977.3) has not been reported previously as a pathogenic variant nor as a benign variant, to our knowledge. The p.P1800L variant is novel (not in any individuals) in gnomAD Exomes and is novel (not in any individuals) in 1000 Genomes. There is a moderate physicochemical difference between proline and leucine. The variant is predicted to be damaging by SIFT and Polyphen2. For these reasons, this variant has been classified as Uncertain Significance

NM_001365536.1(SCN9A):c.5432C>T (p.Pro1811Leu)

Genes: SCN1A-AS1 (SCN1A and SCN9A antisense RNA 1; plus strand), SCN9A (sodium voltage-gated channel alpha subunit 9; minus strand). Cytogenetic location: 2q24.3.
Variant type: single nucleotide variant.
Coding change: c.5432C>T on transcript NM_001365536.1 (MANE Select); coding-DNA position 5432, C replaced by T.
Protein change: p.Pro1811Leu; replaces proline 1811 with leucine.
Molecular consequence: missense variant.
Genome position (GRCh38, 1-based): chr2:166,199,207, G>A on the plus strand (C>T on the coding strand, the complement: SCN9A is on the minus strand). VCF-style: chr2-166199207-G-A. GRCh37 (hg19) VCF-style: chr2-167055717-G-A.
Other names: c.5399C>T, p.Pro1800Leu (NM_002977.4); short protein forms P1800L, P1811L.
Identifiers: ClinVar variation 2627500 (VCV002627500.1), dbSNP rs2468876304, ClinGen allele CA349052867.